The following is an entry in ClinVar:

NM_020247.5(COQ8A):c.1677C>G (p.His559Gln)

Gene: COQ8A (coenzyme Q8A; plus strand). Cytogenetic location: 1q42.13.
Variant type: single nucleotide variant.
Coding change: c.1677C>G on transcript NM_020247.5 (MANE Select); coding-DNA position 1677, C replaced by G.
Protein change: p.His559Gln; replaces histidine 559 with glutamine.
Molecular consequence: missense variant.
Genome position (GRCh38, 1-based): chr1:226,986,470, C>G. VCF-style: chr1-226986470-C-G. GRCh37 (hg19) VCF-style: chr1-227174171-C-G.
Other names: short protein forms H559Q.
Identifiers: ClinVar variation 1032072 (VCV001032072.7), dbSNP rs200963031, ClinGen allele CA1425634.
Genomic context (GRCh38, chr1:226,986,470, plus strand): 5'-CTCTGGTGTCTCGCCGCCATTTATCCTTCCTCTCTTGCCCCAGGTCATGGAAGACGCCCA[C>G]TTGGATGCCATCCTCATCCTGGGGGAGGCCTTCGCCTCTGATGAGCCTTTTGATTTTGGC-3'
Protein context (NP_064632.2, residues 549-569): GYEVKVMEDA[His559Gln]LDAILILGEA

ClinVar aggregate classification (germline): Uncertain significance. Review status: criteria provided, multiple submitters, no conflicts (2 of 4 stars). 3 submissions from 3 submitters: Uncertain significance (3). Last evaluated 2025-12-10.

Conditions:
Autosomal recessive ataxia due to ubiquinone deficiency. Also called: Coenzyme Q10 deficiency, primary, 4; SPINOCEREBELLAR ATAXIA, AUTOSOMAL RECESSIVE 9. Identifiers: Orphanet 139485, MedGen C2677589, MONDO:0012784, OMIM 612016.

Allele frequency attached by ClinVar (database versions not stated): TOPMed 0.00001; gnomAD exomes 0.00013 and 0.00036; ExAC 0.00040.
gnomAD v4.1: 249 of 1,612,888 alleles (0.015%); highest among the groups gnomAD compares: Non-Finnish European, 0.0058%; no homozygotes.

Submissions (3):

Labcorp Genetics (formerly Invitae), Labcorp
Classification: Uncertain significance. Last evaluated: 2025-12-10. Review status: criteria provided, single submitter. Criteria: Invitae Variant Classification Sherloc (09022015). Collection method: clinical testing. Allele origin: germline.
Comment: This sequence change replaces histidine, which is basic and polar, with glutamine, which is neutral and polar, at codon 559 of the COQ8A protein (p.His559Gln). This variant is present in population databases (rs200963031, gnomAD 0.3%), and has an allele count higher than expected for a pathogenic variant. This missense change has been observed in individual(s) with clinical features of childhood-onset ataxia (PMID: 32637629). ClinVar contains an entry for this variant (Variation ID: 1032072). Invitae Evidence Modeling of protein sequence and biophysical properties (such as structural, functional, and spatial information, amino acid conservation, physicochemical variation, residue mobility, and thermodynamic stability) has been performed for this missense variant. However, the output from this modeling did not meet the statistical confidence thresholds required to predict the impact of this variant on COQ8A protein function. In summary, the available evidence is currently insufficient to determine the role of this variant in disease. Therefore, it has been classified as a Variant of Uncertain Significance.

Blueprint Genetics
Classification: Uncertain significance. Last evaluated: 2024-09-11. Review status: criteria provided, single submitter. Criteria: ACMG Guidelines, 2015. Collection method: clinical testing. Allele origin: germline.

Baylor Genetics
Classification: Uncertain significance for Autosomal recessive ataxia due to ubiquinone deficiency. Last evaluated: 2018-11-23. Review status: criteria provided, single submitter. Criteria: ACMG Guidelines, 2015. Collection method: clinical testing. Allele origin: paternal. Affected: yes.
Comment: This variant was determined to be of uncertain significance according to ACMG Guidelines, 2015 [PMID:25741868].

Literature cited by the submitters: PubMed 32637629 (cited by Labcorp Genetics (formerly Invitae), Labcorp).